The following is an entry in ClinVar:

NM_001376.5(DYNC1H1):c.12812G>A (p.Arg4271His)

Gene: DYNC1H1 (dynein cytoplasmic 1 heavy chain 1; plus strand). Cytogenetic location: 14q32.31.
Variant type: single nucleotide variant.
Coding change: c.12812G>A on transcript NM_001376.5 (MANE Select); coding-DNA position 12812, G replaced by A.
Protein change: p.Arg4271His; replaces arginine 4271 with histidine.
Molecular consequence: missense variant.
Genome position (GRCh38, 1-based): chr14:102,044,401, G>A. VCF-style: chr14-102044401-G-A. GRCh37 (hg19) VCF-style: chr14-102510738-G-A.
Other names: short protein forms R4271H.
Identifiers: ClinVar variation 1404695 (VCV001404695.8), dbSNP rs1434208432, ClinGen allele CA391044038.

ClinVar aggregate classification (germline): Uncertain significance (1 of 4 stars; one submission).

Conditions:
Charcot-Marie-Tooth disease axonal type 2O. Also called: CHARCOT-MARIE-TOOTH NEUROPATHY, AXONAL, TYPE 2O; CHARCOT-MARIE-TOOTH DISEASE, AXONAL, AUTOSOMAL DOMINANT, TYPE 2O; Charcot-Marie-Tooth Neuropathy Type 2O; Charcot-Marie-Tooth disease, axonal, type 20. Identifiers: Orphanet 284232, MedGen C3280220, MONDO:0013644, OMIM 614228.

Allele frequency attached by ClinVar (database versions not stated): gnomAD exomes below 0.00001 and 0.00001; gnomAD 0.00001; TOPMed 0.00001.
gnomAD v4.1: 9 of 1,614,048 alleles (0.00056%); highest among the groups gnomAD compares: African/African-American, 0.0027%; no homozygotes.

Submission:

Labcorp Genetics (formerly Invitae), Labcorp
Classification: Uncertain significance for Charcot-Marie-Tooth disease axonal type 2O. Last evaluated: 2021-02-17. Review status: criteria provided, single submitter. Criteria: Invitae Variant Classification Sherloc (09022015). Collection method: clinical testing. Allele origin: germline.
Comment: This variant has not been reported in the literature in individuals with DYNC1H1-related conditions. This variant is not present in population databases (ExAC no frequency). This sequence change replaces arginine with histidine at codon 4271 of the DYNC1H1 protein (p.Arg4271His). The arginine residue is highly conserved and there is a small physicochemical difference between arginine and histidine. Advanced modeling of protein sequence and biophysical properties (such as structural, functional, and spatial information, amino acid conservation, physicochemical variation, residue mobility, and thermodynamic stability) performed at Invitae indicates that this missense variant is not expected to disrupt DYNC1H1 protein function. In summary, the available evidence is currently insufficient to determine the role of this variant in disease. Therefore, it has been classified as a Variant of Uncertain Significance.